The following is an entry in ClinVar:

ClinVar aggregate classification (germline): Pathogenic/Likely pathogenic. Review status: criteria provided, multiple submitters, no conflicts (2 of 4 stars). 2 submissions from 2 submitters: Pathogenic (1); Likely pathogenic (1). Last evaluated 2023-05-13.

Conditions:
Cohen syndrome (COH1). Also called: PEPPER SYNDROME; Cutis verticis gyrata, retinitis pigmentosa, and sensorineural deafness. Identifiers: Orphanet 193, MedGen C0265223, MONDO:0008999, OMIM 216550.

Submissions (2):

Labcorp Genetics (formerly Invitae), Labcorp
Classification: Pathogenic for Cohen syndrome. Last evaluated: 2023-05-13. Review status: criteria provided, single submitter. Criteria: Invitae Variant Classification Sherloc (09022015). Collection method: clinical testing. Allele origin: germline.
Comment: This variant is not present in population databases (gnomAD no frequency). This sequence change creates a premature translational stop signal (p.Trp2686*) in the VPS13B gene. It is expected to result in an absent or disrupted protein product. Loss-of-function variants in VPS13B are known to be pathogenic (PMID: 15141358, 16648375, 20461111). For these reasons, this variant has been classified as Pathogenic. This variant has not been reported in the literature in individuals affected with VPS13B-related conditions.

Juno Genomics, Hangzhou Juno Genomics, Inc
Classification: Likely pathogenic for Cohen syndrome. Review status: criteria provided, single submitter. Criteria: ACMG Guidelines, 2015. Collection method: clinical testing. Allele origin: germline.
Comment: Null variant in a gene where loss of function (LOF) is a known mechanism of disease.;Absent from controls (or at extremely low frequency if recessive) in Genome Aggregation Database.

Literature cited by the submitters: PubMed 15141358 (cited by Labcorp Genetics (formerly Invitae), Labcorp); PubMed 16648375 (cited by Labcorp Genetics (formerly Invitae), Labcorp); PubMed 20461111 (cited by Labcorp Genetics (formerly Invitae), Labcorp).

NM_152564.5(VPS13B):c.7982G>A (p.Trp2661Ter)

Gene: VPS13B (vacuolar protein sorting 13 homolog B; plus strand). Cytogenetic location: 8q22.2.
Variant type: single nucleotide variant.
Coding change: c.7982G>A on transcript NM_152564.5 (MANE Select); coding-DNA position 7982, G replaced by A.
Protein change: p.Trp2661Ter; replaces tryptophan 2661 with a stop codon.
Molecular consequence: nonsense.
Genome position (GRCh38, 1-based): chr8:99,809,415, G>A. VCF-style: chr8-99809415-G-A. GRCh37 (hg19) VCF-style: chr8-100821643-G-A.
Other names: c.8057G>A, p.Trp2686Ter (NM_017890.5); short protein forms W2661*, W2686*.
Identifiers: ClinVar variation 2863893 (VCV002863893.5), dbSNP rs2491976646, ClinGen allele CA371769684.
Genomic context (GRCh38, chr8:99,809,415, plus strand): 5'-ATTATTGTTTTTTTCTCCAGCTGTTACACATCTGTATTGAAGGTTGGGGCAACTGGCGTT[G>A]GTCAGAGCCTTTCAGTGTGGACCATGCCGGGACTTTTATTAGAACAATTCAGTACAGGGG-3'